The following is an entry in ClinVar:

NM_006231.4(POLE):c.4306del (p.Arg1436fs)

Gene: POLE (DNA polymerase epsilon, catalytic subunit; minus strand). Cytogenetic location: 12q24.33.
Variant type: Deletion.
Coding change: c.4306del on transcript NM_006231.4 (MANE Select); coding-DNA position 4306, one base deleted (C; older notation c.4306delC).
Protein change: p.Arg1436fs; shifts the reading frame from arginine 1436.
Molecular consequence: frameshift variant.
Genome position (GRCh38, 1-based): chr12:132,643,545, G deleted on the plus strand (C on the coding strand, the reverse complement: POLE is on the minus strand); the first of 2 consecutive G bases (chr12:132,643,545-132,643,546); deleting either gives the same sequence. VCF-style (leftmost placement, unchanged base first): chr12-132643544-CG-C. GRCh37 (hg19) VCF-style: chr12-133220130-CG-C.
Other names: short protein forms R1436fs.
Identifiers: ClinVar variation 2034334 (VCV002034334.4), dbSNP rs2042205289, ClinGen allele CA2072989602.
Genomic context (GRCh38, chr12:132,643,544, plus strand): 5'-GAAAGGTGCCTCACCAGCTGTTTATTGACCACACACACACAGCCCAGGTGCACCAGGGCC[CG>C]GAACAGTAACGGAACCTGGAAGAATCGGGCAGACAGGCCGGCAAGGGCTGGATGGTGGGG-3'

ClinVar aggregate classification (germline): Pathogenic (1 of 4 stars; one submission).

Submission:

Labcorp Genetics (formerly Invitae), Labcorp
Classification: Pathogenic. Last evaluated: 2022-10-07. Review status: criteria provided, single submitter. Criteria: Invitae Variant Classification Sherloc (09022015). Collection method: clinical testing. Allele origin: germline.
Comment: This sequence change creates a premature translational stop signal (p.Arg1436Glyfs*17) in the POLE gene. It is expected to result in an absent or disrupted protein product. Loss-of-function variants in POLE are known to be pathogenic (PMID: 23230001, 25948378, 30503519). This variant is not present in population databases (gnomAD no frequency). This variant has not been reported in the literature in individuals affected with POLE-related conditions. For these reasons, this variant has been classified as Pathogenic.

Literature cited by the submitters: PubMed 23230001; PubMed 25948378; PubMed 30503519.